The following is an entry in ClinVar:

ClinVar aggregate classification (germline): Uncertain significance. Review status: criteria provided, multiple submitters, no conflicts (2 of 4 stars). 3 submissions from 3 submitters: Uncertain significance (3). Last evaluated 2025-08-28.

Conditions:
Inborn genetic diseases. Identifiers: MedGen C0950123, MeSH D030342.

Allele frequency attached by ClinVar (database versions not stated): ExAC 0.00008; gnomAD 0.00013; ESP Exome Variant Server 0.00015.
gnomAD v4.1: 68 of 1,590,498 alleles (0.0043%); highest among the groups gnomAD compares: African/African-American, 0.042%; 1 homozygote.

Submissions (3):

Ambry Genetics
Classification: Uncertain significance for Inborn genetic diseases. Last evaluated: 2025-08-28. Review status: criteria provided, single submitter. Criteria: Ambry Variant Classification Scheme 2023. Collection method: clinical testing. Allele origin: germline.

GeneDx
Classification: Uncertain significance. Last evaluated: 2025-05-15. Review status: criteria provided, single submitter. Criteria: GeneDx Variant Classification Process June 2021. Collection method: clinical testing. Allele origin: germline. Affected: yes.
Comment: In silico analysis suggests that this missense variant does not alter protein structure/function; Has not been previously published as pathogenic or benign to our knowledge

Blueprint Genetics
Classification: Uncertain significance. Last evaluated: 2018-11-12. Review status: criteria provided, single submitter. Criteria: ACMG Guidelines, 2015. Collection method: clinical testing. Allele origin: germline.

NM_000888.5(ITGB6):c.1024G>A (p.Ala342Thr)

Gene: ITGB6 (integrin subunit beta 6; minus strand). Cytogenetic location: 2q24.2.
Variant type: single nucleotide variant.
Coding change: c.1024G>A on transcript NM_000888.5 (MANE Select); coding-DNA position 1024, G replaced by A.
Protein change: p.Ala342Thr; replaces alanine 342 with threonine.
Molecular consequence: missense variant.
Genome position (GRCh38, 1-based): chr2:160,142,065, C>T on the plus strand (G>A on the coding strand, the complement: ITGB6 is on the minus strand). VCF-style: chr2-160142065-C-T. GRCh37 (hg19) VCF-style: chr2-160998576-C-T.
Other names: c.1024G>A, p.Ala342Thr (NM_001282353.2, NM_001282355.2); c.739G>A, p.Ala247Thr (NM_001282354.2); c.898G>A, p.Ala300Thr (NM_001282388.2); c.805G>A, p.Ala269Thr (NM_001282389.2); c.610G>A, p.Ala204Thr (NM_001282390.2); c.1024G>A (NM_000888.4); short protein forms A269T, A300T, A204T, A247T, A342T.
Identifiers: ClinVar variation 2517817 (VCV002517817.5), dbSNP rs140967203, ClinGen allele CA1929332.
Genomic context (GRCh38, chr2:160,142,065, plus strand): 5'-GGAGAATGTTTCCGGAGTCCTTCTGAAGTAGACCTACTGTAGCTCCAGGAATAAGTTTTG[C>T]GTAATTCTGTAAACAGAAAAAGAGTAAGTCAATCTTTGTTTCCTCATGGTAATTGAGAAA-3'
Protein context (NP_000879.2, residues 332-352): QEQVHLYENY[Ala342Thr]KLIPGATVGL